The following is an entry in ClinVar:

NM_000089.4(COL1A2):c.2194G>A (p.Ala732Thr)

Gene: COL1A2 (collagen type I alpha 2 chain; plus strand). Cytogenetic location: 7q21.3.
Variant type: single nucleotide variant.
Coding change: c.2194G>A on transcript NM_000089.4 (MANE Select); coding-DNA position 2194, G replaced by A.
Protein change: p.Ala732Thr; replaces alanine 732 with threonine.
Molecular consequence: missense variant.
Genome position (GRCh38, 1-based): chr7:94,420,547, G>A. VCF-style: chr7-94420547-G-A. GRCh37 (hg19) VCF-style: chr7-94049859-G-A.
Other names: short protein forms A732T.
Identifiers: ClinVar variation 2055782 (VCV002055782.4), dbSNP rs1032427024, ClinGen allele CA162935941.
Genomic context (GRCh38, chr7:94,420,547, plus strand): 5'-TTGGGGAGTAGAGTGGGTCGGAATACCAGAGCTGTAACTGTTTATTTCCAACAGGGTGCT[G>A]CTGGTCAACCTGGTGCTAAAGGAGAAAGAGGAGCCAAAGGGCCTAAGGGTGAAAACGGTG-3'
Protein context (NP_000080.2, residues 722-742): PNGFAGPAGA[Ala732Thr]GQPGAKGERG

ClinVar aggregate classification (germline): Uncertain significance (1 of 4 stars; one submission).

Conditions:
Ehlers-Danlos syndrome, classic type, 1 (EDSCL1). Also called: EHLERS-DANLOS SYNDROME, GRAVIS TYPE; EHLERS-DANLOS SYNDROME, SEVERE CLASSIC TYPE; Ehlers-Danlos syndrome, type 1; EDS I; Ehlers-Danlos Syndrome, Classic Type, COL5A1-Related. Identifiers: MedGen C0268335, MONDO:0019567, OMIM 130000.
Osteogenesis imperfecta type I (OI1). Also called: OI, TYPE I; OSTEOGENESIS IMPERFECTA TARDA; OSTEOGENESIS IMPERFECTA WITH BLUE SCLERAE; Osteogenesis imperfecta type 1; Lobstein's Disease; Lobstein disease. Identifiers: Orphanet 216796, Orphanet 666, MedGen C0023931, MONDO:0008146, OMIM 166200. Disease mechanism: loss of function.

Allele frequency attached by ClinVar (database versions not stated): TOPMed 0.00001; gnomAD exomes below 0.00001; gnomAD 0.00001.
gnomAD v4.1: 4 of 1,613,922 alleles (0.00025%); highest among the groups gnomAD compares: Non-Finnish European, 0.00034%; no homozygotes.

Submission:

Labcorp Genetics (formerly Invitae), Labcorp
Classification: Uncertain significance for Osteogenesis imperfecta type I; Ehlers-Danlos syndrome, classic type, 1. Last evaluated: 2022-03-27. Review status: criteria provided, single submitter. Criteria: Invitae Variant Classification Sherloc (09022015). Collection method: clinical testing. Allele origin: germline.
Comment: This sequence change replaces alanine, which is neutral and non-polar, with threonine, which is neutral and polar, at codon 732 of the COL1A2 protein (p.Ala732Thr). This variant is not present in population databases (gnomAD no frequency). This variant has not been reported in the literature in individuals affected with COL1A2-related conditions. Advanced modeling of protein sequence and biophysical properties (such as structural, functional, and spatial information, amino acid conservation, physicochemical variation, residue mobility, and thermodynamic stability) performed at Invitae indicates that this missense variant is not expected to disrupt COL1A2 protein function. In summary, the available evidence is currently insufficient to determine the role of this variant in disease. Therefore, it has been classified as a Variant of Uncertain Significance.